The following is an entry in ClinVar:

ClinVar aggregate classification (germline): Likely pathogenic (1 of 4 stars; one submission).

Conditions:
Maple syrup urine disease (MSUD). Identifiers: Orphanet 511, MedGen C0024776, MeSH D008375, MONDO:0009563. Disease mechanism: loss of function.

Allele frequency attached by ClinVar (database versions not stated): TOPMed below 0.00001.

Submission:

Labcorp Genetics (formerly Invitae), Labcorp
Classification: Likely pathogenic for Maple syrup urine disease. Last evaluated: 2023-10-20. Review status: criteria provided, single submitter. Criteria: Invitae Variant Classification Sherloc (09022015). Collection method: clinical testing. Allele origin: germline.
Comment: This sequence change replaces glycine, which is neutral and non-polar, with serine, which is neutral and polar, at codon 162 of the BCKDHA protein (p.Gly162Ser). This variant also falls at the last nucleotide of exon 4, which is part of the consensus splice site for this exon. This variant is not present in population databases (gnomAD no frequency). This missense change has been observed in individual(s) with maple syrup urine disease (MSUD) (Invitae). ClinVar contains an entry for this variant (Variation ID: 940379). An algorithm developed to predict the effect of missense changes on protein structure and function (PolyPhen-2) suggests that this variant is likely to be disruptive. Variants that disrupt the consensus splice site are a relatively common cause of aberrant splicing (PMID: 17576681, 9536098). Algorithms developed to predict the effect of sequence changes on RNA splicing suggest that this variant may disrupt the consensus splice site. In summary, the currently available evidence indicates that the variant is pathogenic, but additional data are needed to prove that conclusively. Therefore, this variant has been classified as Likely Pathogenic.

Literature cited by the submitters: PubMed 17576681; PubMed 9536098.

NM_000709.4(BCKDHA):c.484G>A (p.Gly162Ser)

Gene: BCKDHA (branched chain keto acid dehydrogenase E1 subunit alpha; plus strand). Cytogenetic location: 19q13.2.
Variant type: single nucleotide variant.
Coding change: c.484G>A on transcript NM_000709.4 (MANE Select); coding-DNA position 484, G replaced by A.
Protein change: p.Gly162Ser; replaces glycine 162 with serine.
Molecular consequence: missense variant.
Genome position (GRCh38, 1-based): chr19:41,414,157, G>A. VCF-style: chr19-41414157-G-A. GRCh37 (hg19) VCF-style: chr19-41920062-G-A.
Other names: c.484G>A, p.Gly162Ser (NM_001164783.2); short protein forms G162S.
Identifiers: ClinVar variation 940379 (VCV000940379.7), dbSNP rs2039285328, ClinGen allele CA406008475.